The following is an entry in ClinVar:

ClinVar aggregate classification (germline): Uncertain significance. Review status: criteria provided, multiple submitters, no conflicts (2 of 4 stars). 2 submissions from 2 submitters: Uncertain significance (2). Last evaluated 2022-06-13.

Conditions:
Hereditary cancer-predisposing syndrome. Also called: Hereditary Cancer Syndrome; Neoplastic Syndromes, Hereditary; Tumor predisposition; Hereditary neoplastic syndrome. Identifiers: Orphanet 140162, MedGen C0027672, MeSH D009386, MONDO:0015356.
Peutz-Jeghers syndrome (PJS). Also called: POLYPOSIS, HAMARTOMATOUS INTESTINAL; POLYPS-AND-SPOTS SYNDROME; Peutz-Jeghers polyposis; Periorificial lentiginosis syndrome. Identifiers: Orphanet 2869, MedGen C0031269, MeSH D010580, MONDO:0008280, OMIM 175200.

Submissions (2):

Labcorp Genetics (formerly Invitae), Labcorp
Classification: Uncertain significance for Peutz-Jeghers syndrome. Last evaluated: 2022-06-13. Review status: criteria provided, single submitter. Criteria: Invitae Variant Classification Sherloc (09022015). Collection method: clinical testing. Allele origin: germline.
Comment: This variant disrupts the p.Met136 amino acid residue in STK11. Other variant(s) that disrupt this residue have been determined to be pathogenic (Invitae). This suggests that this residue is clinically significant, and that variants that disrupt this residue are likely to be disease-causing. Advanced modeling of protein sequence and biophysical properties (such as structural, functional, and spatial information, amino acid conservation, physicochemical variation, residue mobility, and thermodynamic stability) performed at Invitae indicates that this missense variant is not expected to disrupt STK11 protein function. ClinVar contains an entry for this variant (Variation ID: 185898). This variant has not been reported in the literature in individuals affected with STK11-related conditions. This variant is not present in population databases (gnomAD no frequency). This sequence change replaces methionine, which is neutral and non-polar, with isoleucine, which is neutral and non-polar, at codon 136 of the STK11 protein (p.Met136Ile). In summary, the available evidence is currently insufficient to determine the role of this variant in disease. Therefore, it has been classified as a Variant of Uncertain Significance.

Ambry Genetics
Classification: Uncertain significance for Hereditary cancer-predisposing syndrome. Last evaluated: 2022-04-15. Review status: criteria provided, single submitter. Criteria: Ambry Variant Classification Scheme 2023. Collection method: clinical testing. Allele origin: germline.
Comment: The p.M136I variant (also known as c.408G>A), located in coding exon 3 of the STK11 gene, results from a G to A substitution at nucleotide position 408. The methionine at codon 136 is replaced by isoleucine, an amino acid with highly similar properties. This amino acid position is highly conserved in available vertebrate species. In addition, the in silico prediction for this alteration is inconclusive. Since supporting evidence is limited at this time, the clinical significance of this alteration remains unclear.

NM_000455.5(STK11):c.408G>A (p.Met136Ile)

Gene: STK11 (serine/threonine kinase 11; plus strand). Cytogenetic location: 19p13.3.
Variant type: single nucleotide variant.
Coding change: c.408G>A on transcript NM_000455.5 (MANE Select); coding-DNA position 408, G replaced by A.
Protein change: p.Met136Ile; replaces methionine 136 with isoleucine.
Molecular consequence: missense variant.
Genome position (GRCh38, 1-based): chr19:1,219,357, G>A. VCF-style: chr19-1219357-G-A. GRCh37 (hg19) VCF-style: chr19-1219356-G-A.
Other names: short protein forms M136I.
Identifiers: ClinVar variation 185898 (VCV000185898.10), dbSNP rs786202544, ClinGen allele CA022903.